The following is an entry in ClinVar:

ClinVar aggregate classification (germline): Uncertain significance (1 of 4 stars; one submission).

Conditions:
Autosomal recessive limb-girdle muscular dystrophy type 2J (LGMDR10). Also called: Limb-girdle muscular dystrophy, type 2J; MUSCULAR DYSTROPHY, LIMB-GIRDLE, AUTOSOMAL RECESSIVE 10. Identifiers: Orphanet 140922, MedGen C1837342, MONDO:0012127, OMIM 608807.
Dilated cardiomyopathy 1G (CMD1G). Identifiers: Orphanet 154, MedGen C1858763, MONDO:0011400, OMIM 604145.

Allele frequency attached by ClinVar (database versions not stated): ExAC 0.00001; gnomAD 0.00001.
gnomAD v4.1: 2 of 1,610,602 alleles (0.00012%); highest among the groups gnomAD compares: African/African-American, 0.0027%; no homozygotes.

Submission:

Labcorp Genetics (formerly Invitae), Labcorp
Classification: Uncertain significance for Dilated cardiomyopathy 1G; Autosomal recessive limb-girdle muscular dystrophy type 2J. Last evaluated: 2025-07-08. Review status: criteria provided, single submitter. Criteria: Invitae Variant Classification Sherloc (09022015). Collection method: clinical testing. Allele origin: germline.
Comment: This sequence change replaces lysine, which is basic and polar, with asparagine, which is neutral and polar, at codon 34074 of the TTN protein (p.Lys34074Asn). This variant is not present in population databases (gnomAD no frequency). This variant has not been reported in the literature in individuals affected with TTN-related conditions. ClinVar contains an entry for this variant (Variation ID: 2933082). Experimental studies and prediction algorithms are not available or were not evaluated, and the functional significance of this variant is currently unknown. This variant is located in the M band of TTN (PMID: 25589632). Non-truncating variants in this region may be relevant for neuromuscular disorders, but have not been definitively shown to cause cardiomyopathy (PMID: 23975875). In summary, the available evidence is currently insufficient to determine the role of this variant in disease. Therefore, it has been classified as a Variant of Uncertain Significance.

Literature cited by the submitters: PubMed 25589632; PubMed 23975875.

NM_001267550.2(TTN):c.102222G>C (p.Lys34074Asn)

Genes: TTN (titin; minus strand), TTN-AS1 (TTN antisense RNA 1; plus strand). Cytogenetic location: 2q31.2.
Variant type: single nucleotide variant.
Coding change: c.102222G>C on transcript NM_001267550.2 (MANE Select); coding-DNA position 102222, G replaced by C.
Protein change: p.Lys34074Asn; replaces lysine 34074 with asparagine.
Molecular consequence: missense variant.
Genome position (GRCh38, 1-based): chr2:178,534,393, C>G on the plus strand (G>C on the coding strand, the complement: TTN is on the minus strand). VCF-style: chr2-178534393-C-G. GRCh37 (hg19) VCF-style: chr2-179399120-C-G.
Other names: c.97299G>C, p.Lys32433Asn (NM_001256850.1); c.75027G>C, p.Lys25009Asn (NM_003319.4); c.94518G>C, p.Lys31506Asn (NM_133378.4); c.75402G>C, p.Lys25134Asn (NM_133432.3); c.75603G>C, p.Lys25201Asn (NM_133437.4); short protein forms K31506N, K25009N, K25134N, K25201N, K32433N, K34074N.
Identifiers: ClinVar variation 2933082 (VCV002933082.3), dbSNP rs748885900, ClinGen allele CA1985789.
Genomic context (GRCh38, chr2:178,534,393, plus strand): 5'-GTAATAACGCCGGTGTTTTAATGTTCTGATAACTTTAGTACTGACTCTTTCTATCTTCTG[C>G]TTCAACCATGGGTGCTGGAGAGCCTCCGATGCTGTCATGCGAGATTTCCTCTCTTTCACT-3'
Protein context (NP_001254479.2, residues 34064-34084): ASEALQHPWL[Lys34074Asn]QKIERVSTKV